The following is an entry in ClinVar:

NM_020987.5(ANK3):c.6661A>G (p.Met2221Val)

Gene: ANK3 (ankyrin 3; minus strand). Cytogenetic location: 10q21.2.
Variant type: single nucleotide variant.
Coding change: c.6661A>G on transcript NM_020987.5 (MANE Select); coding-DNA position 6661, A replaced by G.
Protein change: p.Met2221Val; replaces methionine 2221 with valine.
Molecular consequence: missense variant. On other transcripts: intron variant (4).
Genome position (GRCh38, 1-based): chr10:60,074,220, T>C on the plus strand (A>G on the coding strand, the complement: ANK3 is on the minus strand). VCF-style: chr10-60074220-T-C. GRCh37 (hg19) VCF-style: chr10-61833978-T-C.
Other names: c.6661A>G (NM_020987.3); c.4388-6211A>G (NM_001204403.2); c.4409-6211A>G (NM_001204404.2); c.4406-6211A>G (NM_001320874.2); c.1808-6211A>G (NM_001149.4); short protein forms M2221V.
Identifiers: ClinVar variation 1176246 (VCV001176246.38), dbSNP rs765007870, ClinGen allele CA5511842.

ClinVar aggregate classification (germline): Uncertain significance. Review status: criteria provided, multiple submitters, no conflicts (2 of 4 stars). 3 submissions from 3 submitters: Uncertain significance (3). Last evaluated 2024-07-20.

Conditions:
Inborn genetic diseases. Identifiers: MedGen C0950123, MeSH D030342.

Allele frequency attached by ClinVar (database versions not stated): gnomAD exomes 0.00002 and 0.00003; ExAC 0.00004; gnomAD 0.00004; TOPMed 0.00004.
gnomAD v4.1: 40 of 1,614,046 alleles (0.0025%); highest among the groups gnomAD compares: Middle Eastern, 0.016%; no homozygotes.

Submissions (3):

Labcorp Genetics (formerly Invitae), Labcorp
Classification: Uncertain significance. Last evaluated: 2024-07-20. Review status: criteria provided, single submitter. Criteria: Invitae Variant Classification Sherloc (09022015). Collection method: clinical testing. Allele origin: germline.
Comment: This sequence change replaces methionine, which is neutral and non-polar, with valine, which is neutral and non-polar, at codon 2221 of the ANK3 protein (p.Met2221Val). This variant is present in population databases (rs765007870, gnomAD 0.02%). This variant has not been reported in the literature in individuals affected with ANK3-related conditions. ClinVar contains an entry for this variant (Variation ID: 1176246). Advanced modeling of protein sequence and biophysical properties (such as structural, functional, and spatial information, amino acid conservation, physicochemical variation, residue mobility, and thermodynamic stability) performed at Invitae indicates that this missense variant is not expected to disrupt ANK3 protein function with a negative predictive value of 80%. In summary, the available evidence is currently insufficient to determine the role of this variant in disease. Therefore, it has been classified as a Variant of Uncertain Significance.

Ambry Genetics
Classification: Uncertain significance for Inborn genetic diseases. Last evaluated: 2024-01-08. Review status: criteria provided, single submitter. Criteria: Ambry Variant Classification Scheme 2023. Collection method: clinical testing. Allele origin: germline.

CeGaT Center for Human Genetics Tuebingen
Classification: Uncertain significance. Last evaluated: 2021-03-01. Review status: criteria provided, single submitter. Criteria: CeGaT Center For Human Genetics Tuebingen Variant Classification Criteria Version 2. Collection method: clinical testing. Allele origin: germline. Affected: yes. Observed: 1 variant allele.